The following is an entry in ClinVar:

NM_031418.4(ANO3):c.1512C>G (p.Ile504Met)

Gene: ANO3 (anoctamin 3; plus strand). Cytogenetic location: 11p14.2.
Variant type: single nucleotide variant.
Coding change: c.1512C>G on transcript NM_031418.4 (MANE Select); coding-DNA position 1512, C replaced by G.
Protein change: p.Ile504Met; replaces isoleucine 504 with methionine.
Molecular consequence: missense variant.
Genome position (GRCh38, 1-based): chr11:26,598,429, C>G. VCF-style: chr11-26598429-C-G. GRCh37 (hg19) VCF-style: chr11-26619976-C-G.
Other names: c.1695C>G, p.Ile565Met (NM_001313726.2); c.1074C>G, p.Ile358Met (NM_001313727.2); short protein forms I358M, I504M, I565M.
Identifiers: ClinVar variation 4874861 (VCV004874861.2).

ClinVar aggregate classification (germline): Uncertain significance (1 of 4 stars; one submission).

Submission:

CeGaT Center for Human Genetics Tuebingen
Classification: Uncertain significance. Last evaluated: 2026-05-01. Review status: criteria provided, single submitter. Criteria: CeGaT Center For Human Genetics Tuebingen Variant Classification Criteria Version 2. Collection method: clinical testing. Allele origin: germline. Affected: yes. Observed: 1 variant allele.
Comment: ANO3: PM1, PM2, BP4